The following is an entry in ClinVar:

NM_000368.5(TSC1):c.*1488C>T

Gene: TSC1 (TSC complex subunit 1; minus strand). Cytogenetic location: 9q34.13.
Variant type: single nucleotide variant.
Coding change: c.*1488C>T on transcript NM_000368.5 (MANE Select); 1488 bases downstream of the stop codon, C replaced by T.
Molecular consequence: 3 prime UTR variant.
Genome position (GRCh38, 1-based): chr9:132,894,747, G>A on the plus strand (C>T on the coding strand, the complement: TSC1 is on the minus strand). VCF-style: chr9-132894747-G-A. GRCh37 (hg19) VCF-style: chr9-135770134-G-A.
Other names: c.*1488C>T (NM_001162426.2, NM_001162427.2, NM_001362177.2).
Identifiers: ClinVar variation 365477 (VCV000365477.6), dbSNP rs739442, ClinGen allele CA10632998.

ClinVar aggregate classification (germline): Benign. Review status: criteria provided, multiple submitters, no conflicts (2 of 4 stars). 3 submissions from 2 submitters: Benign (3). Last evaluated 2018-01-13.

Conditions:
Isolated focal cortical dysplasia type II (FCORD2). Also called: CORTICAL DYSPLASIA OF TAYLOR; Focal cortical dysplasia type II. Identifiers: Orphanet 268994, MedGen C1846385, MONDO:0011818, OMIM 607341, HP:0032051.
Tuberous sclerosis 1 (TSC1). Identifiers: Orphanet 805, MedGen C1854465, MONDO:0008612, OMIM 191100.

Allele frequency attached by ClinVar (database versions not stated): TOPMed 0.41760; gnomAD 0.43524 and 0.44740; 1000 Genomes Project 30x 0.43879; 1000 Genomes Project 0.45068; gnomAD exomes 0.52681.
gnomAD v4.1: 102,812 of 217,942 alleles (47%); highest among the groups gnomAD compares: South Asian, 64%; 28,141 homozygotes.

Submissions (3):

Illumina Laboratory Services, Illumina
Classification: Benign for Tuberous sclerosis 1. Last evaluated: 2018-01-13. Review status: criteria provided, single submitter. Criteria: ICSL Variant Classification Criteria 13 December 2019. Collection method: clinical testing. Allele origin: germline.
Comment: This variant was observed in the ICSL laboratory as part of a predisposition screen in an ostensibly healthy population. It had not been previously curated by ICSL or reported in the Human Gene Mutation Database (HGMD: prior to June 1st, 2018), and was therefore a candidate for classification through an automated scoring system. Utilizing variant allele frequency, disease prevalence and penetrance estimates, and inheritance mode, an automated score was calculated to assess if this variant is too frequent to cause the disease. Based on the score and internal cut-off values, a variant classified as benign is not then subjected to further curation. The score for this variant resulted in a classification of benign for this disease.

Illumina Laboratory Services, Illumina
Classification: Benign for Isolated focal cortical dysplasia type II. Last evaluated: 2018-01-13. Review status: criteria provided, single submitter. Criteria: ICSL Variant Classification Criteria 13 December 2019. Collection method: clinical testing. Allele origin: germline.
Comment: the same text as in the submission from Illumina Laboratory Services, Illumina above.

Breakthrough Genomics
Classification: Benign. Review status: criteria provided, single submitter. Criteria: ACMG Guidelines, 2015. Collection method: not provided. Allele origin: germline. Inheritance: Autosomal dominant inheritance. Affected: yes.